The following is an entry in ClinVar:

ClinVar aggregate classification (germline): Uncertain significance. Review status: criteria provided, multiple submitters, no conflicts (2 of 4 stars). 3 submissions from 3 submitters: Uncertain significance (2). 1 of the submissions does not count toward it. Last evaluated 2021-09-01.

Conditions:
Medium-chain acyl-coenzyme A dehydrogenase deficiency (ACADMD). Also called: MCAD Deficiency; MCADH DEFICIENCY; Medium chain acyl-CoA dehydrogenase deficiency; MCADD; ACADM DEFICIENCY; CARNITINE DEFICIENCY SECONDARY TO MEDIUM-CHAIN ACYL-CoA DEHYDROGENASE DEFICIENCY. Identifiers: Orphanet 42, MedGen C0220710, MONDO:0008721, OMIM 201450.

Allele frequency attached by ClinVar (database versions not stated): gnomAD exomes below 0.00001 and 0.00001; gnomAD 0.00001; ExAC 0.00002.

Submissions (3):

Labcorp Genetics (formerly Invitae), Labcorp
Classification: Uncertain significance for Medium-chain acyl-coenzyme A dehydrogenase deficiency. Last evaluated: 2021-09-01. Review status: criteria provided, single submitter. Criteria: Invitae Variant Classification Sherloc (09022015). Collection method: clinical testing. Allele origin: germline.
Comment: This sequence change replaces threonine with isoleucine at codon 42 of the ACADM protein (p.Thr42Ile). The threonine residue is highly conserved and there is a moderate physicochemical difference between threonine and isoleucine. This variant is present in population databases (rs759997176, ExAC 0.003%). This variant has not been reported in the literature in individuals affected with ACADM-related conditions. ClinVar contains an entry for this variant (Variation ID: 281033). Advanced modeling of protein sequence and biophysical properties (such as structural, functional, and spatial information, amino acid conservation, physicochemical variation, residue mobility, and thermodynamic stability) performed at Invitae indicates that this missense variant is expected to disrupt ACADM protein function. In summary, the available evidence is currently insufficient to determine the role of this variant in disease. Therefore, it has been classified as a Variant of Uncertain Significance.

Eurofins Ntd Llc (ga)
Classification: Uncertain significance. Last evaluated: 2015-10-01. Review status: criteria provided, single submitter. Criteria: EGL Classification Definitions 2015. Collection method: clinical testing. Allele origin: germline. Observed: 1 variant allele, 1 heterozygote.

Natera, Inc.
Classification: Uncertain significance for Medium Chain Acyl-CoA Dehydrogenase Deficiency. Last evaluated: 2021-01-19. Review status: no assertion criteria provided. Collection method: clinical testing. Allele origin: germline. Not counted in ClinVar's aggregate classification.

NM_000016.6(ACADM):c.125C>T (p.Thr42Ile)

Gene: ACADM (acyl-CoA dehydrogenase medium chain; plus strand). Cytogenetic location: 1p31.1.
Variant type: single nucleotide variant.
Coding change: c.125C>T on transcript NM_000016.6 (MANE Select); coding-DNA position 125, C replaced by T.
Protein change: p.Thr42Ile; replaces threonine 42 with isoleucine.
Molecular consequence: missense variant. On other transcripts: 5 prime UTR variant (1).
Genome position (GRCh38, 1-based): chr1:75,732,650, C>T. VCF-style: chr1-75732650-C-T. GRCh37 (hg19) VCF-style: chr1-76198335-C-T.
Other names: c.137C>T, p.Thr46Ile (NM_001127328.3); c.17C>T, p.Thr6Ile (NM_001286042.2); c.125C>T, p.Thr42Ile (NM_001286043.2); c.-261C>T (NM_001286044.2); short protein forms T42I, T46I, T6I.
Identifiers: ClinVar variation 281033 (VCV000281033.12), dbSNP rs759997176, ClinGen allele CA912969.